The following is an entry in ClinVar:

ClinVar aggregate classification (germline): Uncertain significance (1 of 4 stars; one submission).

Submission:

Labcorp Genetics (formerly Invitae), Labcorp
Classification: Uncertain significance. Last evaluated: 2025-04-11. Review status: criteria provided, single submitter. Criteria: Invitae Variant Classification Sherloc (09022015). Collection method: clinical testing. Allele origin: germline.
Comment: This sequence change replaces threonine, which is neutral and polar, with isoleucine, which is neutral and non-polar, at codon 85 of the APPL1 protein (p.Thr85Ile). This variant is not present in population databases (gnomAD no frequency). This variant has not been reported in the literature in individuals affected with APPL1-related conditions. Invitae Evidence Modeling of protein sequence and biophysical properties (such as structural, functional, and spatial information, amino acid conservation, physicochemical variation, residue mobility, and thermodynamic stability) indicates that this missense variant is not expected to disrupt APPL1 protein function with a negative predictive value of 80%. In summary, the available evidence is currently insufficient to determine the role of this variant in disease. Therefore, it has been classified as a Variant of Uncertain Significance.

NM_012096.3(APPL1):c.254C>T (p.Thr85Ile)

Gene: APPL1 (adaptor protein, phosphotyrosine interacting with PH domain and leucine zipper 1; plus strand). Cytogenetic location: 3p14.3.
Variant type: single nucleotide variant.
Coding change: c.254C>T on transcript NM_012096.3 (MANE Select); coding-DNA position 254, C replaced by T.
Protein change: p.Thr85Ile; replaces threonine 85 with isoleucine.
Molecular consequence: missense variant.
Genome position (GRCh38, 1-based): chr3:57,238,085, C>T. VCF-style: chr3-57238085-C-T. GRCh37 (hg19) VCF-style: chr3-57272113-C-T.
Other names: short protein forms T85I.
Identifiers: ClinVar variation 4803329 (VCV004803329.1).